The following is an entry in ClinVar:

NM_016213.5(TRIP4):c.705G>A (p.Glu235=)

Gene: TRIP4 (thyroid hormone receptor interactor 4; plus strand). Cytogenetic location: 15q22.31.
Variant type: single nucleotide variant.
Coding change: c.705G>A on transcript NM_016213.5 (MANE Select); coding-DNA position 705, G replaced by A.
Protein change: p.Glu235=; no amino-acid change (glutamic acid 235 retained).
Molecular consequence: synonymous variant. On other transcripts: non-coding transcript variant (1).
Genome position (GRCh38, 1-based): chr15:64,406,337, G>A. VCF-style: chr15-64406337-G-A. GRCh37 (hg19) VCF-style: chr15-64698536-G-A.
Other names: c.15G>A, p.Glu5= (NM_001321924.2).
Identifiers: ClinVar variation 2645443 (VCV002645443.26), dbSNP rs545826333, ClinGen allele CA7609454.

ClinVar aggregate classification (germline): Benign/Likely benign. Review status: criteria provided, multiple submitters, no conflicts (2 of 4 stars). 2 submissions from 2 submitters: Benign (1); Likely benign (1). Last evaluated 2024-08-23.

Allele frequency attached by ClinVar (database versions not stated): gnomAD 0.00004; gnomAD exomes 0.00010; 1000 Genomes Project 0.00020; ExAC 0.00021; 1000 Genomes Project 30x 0.00031.
gnomAD v4.1: 150 of 1,613,480 alleles (0.0093%); highest among the groups gnomAD compares: South Asian, 0.16%; 3 homozygotes.

Submissions (2):

Labcorp Genetics (formerly Invitae), Labcorp
Classification: Benign. Last evaluated: 2024-08-23. Review status: criteria provided, single submitter. Criteria: Invitae Variant Classification Sherloc (09022015). Collection method: clinical testing. Allele origin: germline.

CeGaT Center for Human Genetics Tuebingen
Classification: Likely benign. Last evaluated: 2022-10-01. Review status: criteria provided, single submitter. Criteria: CeGaT Center For Human Genetics Tuebingen Variant Classification Criteria Version 2. Collection method: clinical testing. Allele origin: germline. Affected: yes. Observed: 1 variant allele.
Comment: TRIP4: BP4, BP7